The following is an entry in ClinVar:

ClinVar aggregate classification (germline): Uncertain significance. Review status: criteria provided, multiple submitters, no conflicts (2 of 4 stars). 2 submissions from 2 submitters: Uncertain significance (2). Last evaluated 2024-05-08.

Conditions:
Inborn genetic diseases. Identifiers: MedGen C0950123, MeSH D030342.

Allele frequency attached by ClinVar (database versions not stated): gnomAD exomes 0.00001; TOPMed 0.00001; ExAC 0.00002; gnomAD 0.00002.
gnomAD v4.1: 14 of 1,614,206 alleles (0.00087%); highest among the groups gnomAD compares: African/African-American, 0.0013%; no homozygotes.

Submissions (2):

Ambry Genetics
Classification: Uncertain significance for Inborn genetic diseases. Last evaluated: 2024-05-08. Review status: criteria provided, single submitter. Criteria: Ambry Variant Classification Scheme 2023. Collection method: clinical testing. Allele origin: germline.

Mayo Clinic Laboratories, Mayo Clinic
Classification: Uncertain significance. Last evaluated: 2022-07-22. Review status: criteria provided, single submitter. Criteria: ACMG Guidelines, 2015. Collection method: clinical testing. Allele origin: germline. Observed: 1 variant allele.
Comment: PM2

NM_138477.4(CDAN1):c.2917G>T (p.Ala973Ser)

Gene: CDAN1 (codanin 1; minus strand). Cytogenetic location: 15q15.2.
Variant type: single nucleotide variant.
Coding change: c.2917G>T on transcript NM_138477.4 (MANE Select); coding-DNA position 2917, G replaced by T.
Protein change: p.Ala973Ser; replaces alanine 973 with serine.
Molecular consequence: missense variant.
Genome position (GRCh38, 1-based): chr15:42,727,985, C>A on the plus strand (G>T on the coding strand, the complement: CDAN1 is on the minus strand). VCF-style: chr15-42727985-C-A. GRCh37 (hg19) VCF-style: chr15-43020183-C-A.
Other names: p.Ala973Ser; short protein forms A973S.
Identifiers: ClinVar variation 2683290 (VCV002683290.2), dbSNP rs368795897, ClinGen allele CA7515382.